The following is an entry in ClinVar:

NM_004994.3(MMP9):c.1175-2A>G

Gene: MMP9 (matrix metallopeptidase 9; plus strand). Cytogenetic location: 20q13.12.
Variant type: single nucleotide variant.
Coding change: c.1175-2A>G on transcript NM_004994.3 (MANE Select); the canonical splice acceptor site of the intron before coding-DNA position 1175, A replaced by G.
Molecular consequence: splice acceptor variant.
Genome position (GRCh38, 1-based): chr20:46,012,425, A>G. VCF-style: chr20-46012425-A-G. GRCh37 (hg19) VCF-style: chr20-44641064-A-G.
Identifiers: ClinVar variation 4776430 (VCV004776430.1).

ClinVar aggregate classification (germline): Uncertain significance (1 of 4 stars; one submission).

gnomAD v4.1: 4 of 1,614,038 alleles (0.00025%); highest among the groups gnomAD compares: Admixed American, 0.0067%; no homozygotes.

Submission:

Labcorp Genetics (formerly Invitae), Labcorp
Classification: Uncertain significance. Last evaluated: 2025-02-11. Review status: criteria provided, single submitter. Criteria: Invitae Variant Classification Sherloc (09022015). Collection method: clinical testing. Allele origin: germline.
Comment: This sequence change affects an acceptor splice site in intron 7 of the MMP9 gene. It is expected to disrupt RNA splicing. Variants that disrupt the donor or acceptor splice site typically lead to a loss of protein function (PMID: 16199547), however the current clinical and genetic evidence is not sufficient to establish whether loss-of-function variants in MMP9 cause disease. This variant is present in population databases (rs759747286, gnomAD 0.01%). This variant has not been reported in the literature in individuals affected with MMP9-related conditions. Algorithms developed to predict the effect of sequence changes on RNA splicing suggest that this variant may disrupt the consensus splice site. In summary, the available evidence is currently insufficient to determine the role of this variant in disease. Therefore, it has been classified as a Variant of Uncertain Significance.

Literature cited by the submitters: PubMed 16199547.